The following is an entry in ClinVar:

ClinVar aggregate classification (germline): Uncertain significance (1 of 4 stars; one submission).

Submission:

Labcorp Genetics (formerly Invitae), Labcorp
Classification: Uncertain significance. Last evaluated: 2025-03-30. Review status: criteria provided, single submitter. Criteria: Invitae Variant Classification Sherloc (09022015). Collection method: clinical testing. Allele origin: germline.
Comment: This sequence change falls in intron 23 of the CLCN7 gene. It does not directly change the encoded amino acid sequence of the CLCN7 protein. It affects a nucleotide within the consensus splice site. This variant is not present in population databases (gnomAD no frequency). This variant has not been reported in the literature in individuals affected with CLCN7-related conditions. ClinVar contains an entry for this variant (Variation ID: 2838329). Variants that disrupt the consensus splice site are a relatively common cause of aberrant splicing (PMID: 17576681, 9536098). In summary, the available evidence is currently insufficient to determine the role of this variant in disease. Therefore, it has been classified as a Variant of Uncertain Significance.

Literature cited by the submitters: PubMed 17576681; PubMed 9536098.

NM_001287.6(CLCN7):c.2250+2_2250+3del

Gene: CLCN7 (Cl-/H+ antiporter 7; minus strand). Cytogenetic location: 16p13.3.
Variant type: Deletion.
Coding change: c.2250+2_2250+3del on transcript NM_001287.6 (MANE Select); the canonical splice donor site of the intron after coding-DNA position 2250 through 3 bases into the intron after coding-DNA position 2250, 2 bases deleted (CA; older notation c.2250+2_2250+3delCA).
Molecular consequence: splice donor variant.
Genome position (GRCh38, 1-based): chr16:1,447,389-1,447,390, TG deleted on the plus strand (CA on the coding strand, the reverse complement: CLCN7 is on the minus strand). VCF-style (leftmost placement, unchanged base first): chr16-1447388-ATG-A. GRCh37 (hg19) VCF-style: chr16-1497389-ATG-A.
Other names: c.2178+2_2178+3del (NM_001114331.3).
Identifiers: ClinVar variation 2838329 (VCV002838329.3), dbSNP rs2505812148, ClinGen allele CA2739269851.